The following is an entry in ClinVar:

ClinVar aggregate classification (germline): Uncertain significance (1 of 4 stars; one submission).

Allele frequency attached by ClinVar (database versions not stated): TOPMed 0.00001.

Submission:

GeneDx
Classification: Uncertain significance. Last evaluated: 2017-07-31. Review status: criteria provided, single submitter. Criteria: GeneDx Variant Classification (06012015). Collection method: clinical testing. Allele origin: germline. Affected: yes.
Comment: The N186S variant in the CUBN gene has not been reported previously as a pathogenic variant, nor as a benign variant, to our knowledge. The N186S variant is not observed in large population cohorts (Lek et al., 2016; 1000 Genomes Consortium et al., 2015; Exome Variant Server). The N186S variant is a conservative amino acid substitution, which is not likely to impact secondary protein structure as these residues share similar properties. This substitution occurs at a position that is conserved in mammals. In silico analysis predicts this variant is probably damaging to the protein structure/function. We interpret N186S as a variant of uncertain significance.

NM_001081.4(CUBN):c.557A>G (p.Asn186Ser)

Gene: CUBN (cubilin; minus strand). Cytogenetic location: 10p13.
Variant type: single nucleotide variant.
Coding change: c.557A>G on transcript NM_001081.4 (MANE Select); coding-DNA position 557, A replaced by G.
Protein change: p.Asn186Ser; replaces asparagine 186 with serine.
Molecular consequence: missense variant.
Genome position (GRCh38, 1-based): chr10:17,122,831, T>C on the plus strand (A>G on the coding strand, the complement: CUBN is on the minus strand). VCF-style: chr10-17122831-T-C. GRCh37 (hg19) VCF-style: chr10-17164830-T-C.
Other names: short protein forms N186S.
Identifiers: ClinVar variation 450693 (VCV000450693.2), dbSNP rs1286216349, ClinGen allele CA376168459.